The following is an entry in ClinVar:

ClinVar aggregate classification (germline): Likely benign (1 of 4 stars; one submission).

Allele frequency attached by ClinVar (database versions not stated): 1000 Genomes Project 30x 0.00047; 1000 Genomes Project 0.00060; ExAC 0.00079; gnomAD 0.00088; TOPMed 0.00091; ESP Exome Variant Server 0.00101; gnomAD exomes 0.00135.
gnomAD v4.1: 2,077 of 1,613,724 alleles (0.13%); highest among the groups gnomAD compares: Non-Finnish European, 0.16%; 1 homozygote.

Submission:

CeGaT Center for Human Genetics Tuebingen
Classification: Likely benign. Last evaluated: 2022-12-01. Review status: criteria provided, single submitter. Criteria: CeGaT Center For Human Genetics Tuebingen Variant Classification Criteria Version 2. Collection method: clinical testing. Allele origin: germline. Affected: yes. Observed: 1 variant allele.
Comment: ICE1: BP4, BP7

NM_015325.3(ICE1):c.2172A>G (p.Glu724=)

Gene: ICE1 (interactor of little elongation complex ELL subunit 1; plus strand). Cytogenetic location: 5p15.32.
Variant type: single nucleotide variant.
Coding change: c.2172A>G on transcript NM_015325.3 (MANE Select); coding-DNA position 2172, A replaced by G.
Protein change: p.Glu724=; no amino-acid change (glutamic acid 724 retained).
Molecular consequence: synonymous variant.
Genome position (GRCh38, 1-based): chr5:5,461,506, A>G. VCF-style: chr5-5461506-A-G. GRCh37 (hg19) VCF-style: chr5-5461619-A-G.
Identifiers: ClinVar variation 2655289 (VCV002655289.24), dbSNP rs72646681, ClinGen allele CA3190912.